The following is an entry in ClinVar:

ClinVar aggregate classification (germline): Uncertain significance (1 of 4 stars; one submission).

Conditions:
Combined immunodeficiency due to STK4 deficiency (IMD110). Also called: STK4 DEFICIENCY; MST1 DEFICIENCY; T-cell immunodeficiency, recurrent infections, and autoimmunity with or without cardiac malformations. Identifiers: Orphanet 314689, MedGen C3553943, MONDO:0013934, OMIM 614868.

Submission:

Labcorp Genetics (formerly Invitae), Labcorp
Classification: Uncertain significance for Combined immunodeficiency due to STK4 deficiency. Last evaluated: 2024-12-05. Review status: criteria provided, single submitter. Criteria: Invitae Variant Classification Sherloc (09022015). Collection method: clinical testing. Allele origin: germline.
Comment: This sequence change affects codon 231 of the STK4 mRNA. It is a 'silent' change, meaning that it does not change the encoded amino acid sequence of the STK4 protein. This variant also falls at the last nucleotide of exon 6, which is part of the consensus splice site for this exon. This variant is not present in population databases (gnomAD no frequency). This variant has not been reported in the literature in individuals affected with STK4-related conditions. Variants that disrupt the consensus splice site are a relatively common cause of aberrant splicing (PMID: 17576681, 9536098). Algorithms developed to predict the effect of sequence changes on RNA splicing suggest that this variant may disrupt the consensus splice site. In summary, the available evidence is currently insufficient to determine the role of this variant in disease. Therefore, it has been classified as a Variant of Uncertain Significance.

Literature cited by the submitters: PubMed 17576681; PubMed 9536098.

NM_006282.5(STK4):c.693G>A (p.Arg231=)

Gene: STK4 (serine/threonine kinase 4; plus strand). Cytogenetic location: 20q13.12.
Variant type: single nucleotide variant.
Coding change: c.693G>A on transcript NM_006282.5 (MANE Select); coding-DNA position 693, G replaced by A.
Protein change: p.Arg231=; no amino-acid change (arginine 231 retained).
Molecular consequence: synonymous variant.
Genome position (GRCh38, 1-based): chr20:44,995,257, G>A. VCF-style: chr20-44995257-G-A. GRCh37 (hg19) VCF-style: chr20-43623898-G-A.
Other names: c.693G>A, p.Arg231= (NM_001352385.2).
Identifiers: ClinVar variation 3704673 (VCV003704673.2).
Genomic context (GRCh38, chr20:44,995,257, plus strand): 5'-AATAACTGCCATAGAAATGGCTGAAGGAAAGCCCCCTTATGCTGATATCCATCCAATGAG[G>A]GTAAGAAAGTGGACAGAAAGCCAGTGGGGTGGTTAGTTACTGATCATCATTAAAAAGTGA-3'
Protein context (NP_006273.1, residues 221-241): KPPYADIHPM[Arg231=]AIFMIPTNPP